The following is an entry in ClinVar:

ClinVar aggregate classification (germline): Uncertain significance. Review status: criteria provided, multiple submitters, no conflicts (2 of 4 stars). 3 submissions from 3 submitters: Uncertain significance (3). Last evaluated 2026-07-06.

Conditions:
Hereditary nonpolyposis colorectal neoplasms. Identifiers: MedGen C0009405, MeSH D003123.
Hereditary cancer-predisposing syndrome. Also called: Neoplastic Syndromes, Hereditary; Tumor predisposition; Hereditary Cancer Syndrome; Hereditary neoplastic syndrome. Identifiers: Orphanet 140162, MedGen C0027672, MeSH D009386, MONDO:0015356.

Submissions (3):

Ambry Genetics
Classification: Uncertain significance for Hereditary cancer-predisposing syndrome. Last evaluated: 2026-07-06. Review status: criteria provided, single submitter. Criteria: Ambry Variant Classification Scheme 2023. Collection method: clinical testing. Allele origin: germline.
Comment: The p.S248R variant (also known as c.742A>C), located in coding exon 7 of the PMS2 gene, results from an A to C substitution at nucleotide position 742. The serine at codon 248 is replaced by arginine, an amino acid with dissimilar properties. This amino acid position is conserved. In addition, the in silico prediction for this alteration is inconclusive. Based on the available evidence, the clinical significance of this variant remains unclear.

Labcorp Genetics (formerly Invitae), Labcorp
Classification: Uncertain significance for Hereditary nonpolyposis colorectal neoplasms. Last evaluated: 2024-05-25. Review status: criteria provided, single submitter. Criteria: Invitae Variant Classification Sherloc (09022015). Collection method: clinical testing. Allele origin: germline.
Comment: This sequence change replaces serine, which is neutral and polar, with arginine, which is basic and polar, at codon 248 of the PMS2 protein (p.Ser248Arg). This variant is not present in population databases (gnomAD no frequency). This variant has not been reported in the literature in individuals affected with PMS2-related conditions. ClinVar contains an entry for this variant (Variation ID: 1318835). Advanced modeling of protein sequence and biophysical properties (such as structural, functional, and spatial information, amino acid conservation, physicochemical variation, residue mobility, and thermodynamic stability) performed at Invitae indicates that this missense variant is expected to disrupt PMS2 protein function with a positive predictive value of 80%. In summary, the available evidence is currently insufficient to determine the role of this variant in disease. Therefore, it has been classified as a Variant of Uncertain Significance.

GeneDx
Classification: Uncertain significance. Last evaluated: 2019-07-29. Review status: criteria provided, single submitter. Criteria: GeneDx Variant Classification Process June 2021. Collection method: clinical testing. Allele origin: germline. Affected: yes.
Comment: Not observed in large population cohorts (Lek et al., 2016); In silico analysis, which includes protein predictors and evolutionary conservation, supports a deleterious effect; Has not been previously published as pathogenic or benign to our knowledge

NM_000535.7(PMS2):c.742A>C (p.Ser248Arg)

Gene: PMS2 (PMS1 homolog 2, mismatch repair system component; minus strand). Cytogenetic location: 7p22.1.
Variant type: single nucleotide variant.
Coding change: c.742A>C on transcript NM_000535.7 (MANE Select); coding-DNA position 742, A replaced by C.
Protein change: p.Ser248Arg; replaces serine 248 with arginine.
Molecular consequence: missense variant. On other transcripts: non-coding transcript variant (1), 5 prime UTR variant (2).
Genome position (GRCh38, 1-based): chr7:5,997,387, T>G on the plus strand (A>C on the coding strand, the complement: PMS2 is on the minus strand). VCF-style: chr7-5997387-T-G. GRCh37 (hg19) VCF-style: chr7-6037018-T-G.
Other names: c.337A>C, p.Ser113Arg (NM_001322003.2, NM_001322004.2, NM_001322005.2 and 2 more transcripts); c.742A>C, p.Ser248Arg (NM_001322006.2, NM_001322014.2); c.424A>C, p.Ser142Arg (NM_001322007.2, NM_001322008.2); c.-192A>C (NM_001322011.2, NM_001322012.2); c.169A>C, p.Ser57Arg (NM_001322013.2); c.433A>C, p.Ser145Arg (NM_001322015.2); short protein forms S113R, S142R, S145R, S248R, S57R.
Identifiers: ClinVar variation 1318835 (VCV001318835.5), dbSNP rs2128787818, ClinGen allele CA366743730.